The following is an entry in ClinVar:

NM_001927.4(DES):c.1228G>A (p.Glu410Lys)

Gene: DES (desmin; plus strand). Cytogenetic location: 2q35.
Variant type: single nucleotide variant.
Coding change: c.1228G>A on transcript NM_001927.4 (MANE Select); coding-DNA position 1228, G replaced by A.
Protein change: p.Glu410Lys; replaces glutamic acid 410 with lysine.
Molecular consequence: missense variant.
Genome position (GRCh38, 1-based): chr2:219,421,544, G>A. VCF-style: chr2-219421544-G-A. GRCh37 (hg19) VCF-style: chr2-220286266-G-A.
Other names: c.1225G>A, p.Glu409Lys (NM_001382708.1); c.796G>A, p.Glu266Lys (NM_001382709.1); c.1159G>A, p.Glu387Lys (NM_001382710.1); c.1207G>A, p.Glu403Lys (NM_001382711.1); c.1228G>A, p.Glu410Lys (NM_001382712.1); c.958G>A, p.Glu320Lys (NM_001382713.1); short protein forms E266K, E320K, E387K, E403K, E409K, E410K.
Identifiers: ClinVar variation 1062336 (VCV001062336.9), dbSNP rs2125168940, ClinGen allele CA350695060.

ClinVar aggregate classification (germline): Uncertain significance (1 of 4 stars; one submission).

Conditions:
Desmin-related myofibrillar myopathy (MFM1). Also called: Desminopathy; MYOFIBRILLAR MYOPATHY WITH ARRHYTHMOGENIC RIGHT VENTRICULAR CARDIOMYOPATHY; DESMIN-RELATED MYOPATHY WITH ARRHYTHMOGENIC RIGHT VENTRICULAR CARDIOMYOPATHY; Myofibrillar myopathy 1; Desmin related myopathy (former name); Desmin storage myopathy (former name). Identifiers: Orphanet 363543, Orphanet 98909, MedGen C1832370, MONDO:0011076, OMIM 601419.

Submission:

Labcorp Genetics (formerly Invitae), Labcorp
Classification: Uncertain significance for Desmin-related myofibrillar myopathy. Last evaluated: 2020-05-11. Review status: criteria provided, single submitter. Criteria: Invitae Variant Classification Sherloc (09022015). Collection method: clinical testing. Allele origin: germline.
Comment: In summary, the available evidence is currently insufficient to determine the role of this variant in disease. Therefore, it has been classified as a Variant of Uncertain Significance. Algorithms developed to predict the effect of missense changes on protein structure and function are either unavailable or do not agree on the potential impact of this missense change (SIFT: "Tolerated"; PolyPhen-2: "Probably Damaging"; Align-GVGD: "Class C15"). This variant has not been reported in the literature in individuals with DES-related conditions. This variant is not present in population databases (ExAC no frequency). This sequence change replaces glutamic acid with lysine at codon 410 of the DES protein (p.Glu410Lys). The glutamic acid residue is highly conserved and there is a small physicochemical difference between glutamic acid and lysine.